The following is an entry in ClinVar:

NM_000487.6(ARSA):c.820G>A (p.Glu274Lys)

Gene: ARSA (arylsulfatase A; minus strand). Cytogenetic location: 22q13.33.
Variant type: single nucleotide variant.
Coding change: c.820G>A on transcript NM_000487.6 (MANE Select); coding-DNA position 820, G replaced by A.
Protein change: p.Glu274Lys; replaces glutamic acid 274 with lysine.
Molecular consequence: missense variant.
Genome position (GRCh38, 1-based): chr22:50,626,625, C>T on the plus strand (G>A on the coding strand, the complement: ARSA is on the minus strand). VCF-style: chr22-50626625-C-T. GRCh37 (hg19) VCF-style: chr22-51065053-C-T.
Other names: c.820G>A (NM_000487.5); c.820G>A, p.Glu274Lys (NM_001085425.3, NM_001085426.3, NM_001085427.3); c.562G>A, p.Glu188Lys (NM_001085428.3, NM_001362782.2); short protein forms E188K, E274K.
Identifiers: ClinVar variation 2182567 (VCV002182567.5), dbSNP rs371515553, ClinGen allele CA10324918.

ClinVar aggregate classification (germline): Uncertain significance. Review status: criteria provided, multiple submitters, no conflicts (2 of 4 stars). 2 submissions from 2 submitters: Uncertain significance (2). Last evaluated 2023-07-11.

Conditions:
Inborn genetic diseases. Identifiers: MedGen C0950123, MeSH D030342.
Metachromatic leukodystrophy (MLD). Also called: SULFATIDE LIPIDOSIS; Cerebral sclerosis diffuse metachromatic form; CEREBROSIDE SULFATASE DEFICIENCY; METACHROMATIC LEUKOENCEPHALOPATHY; ARSA DEFICIENCY; Arylsulfatase A Deficiency. Identifiers: Orphanet 512, MedGen C0023522, MONDO:0018868, OMIM 250100.

Allele frequency attached by ClinVar (database versions not stated): gnomAD 0.00001; gnomAD exomes 0.00001; TOPMed 0.00001; ExAC 0.00003; ESP Exome Variant Server 0.00008.

Submissions (2):

Ambry Genetics
Classification: Uncertain significance for Inborn genetic diseases. Last evaluated: 2023-07-11. Review status: criteria provided, single submitter. Criteria: Ambry Variant Classification Scheme 2023. Collection method: clinical testing. Allele origin: germline.

Labcorp Genetics (formerly Invitae), Labcorp
Classification: Uncertain significance for Metachromatic leukodystrophy. Last evaluated: 2022-09-13. Review status: criteria provided, single submitter. Criteria: Invitae Variant Classification Sherloc (09022015). Collection method: clinical testing. Allele origin: germline.
Comment: This sequence change replaces glutamic acid, which is acidic and polar, with lysine, which is basic and polar, at codon 274 of the ARSA protein (p.Glu274Lys). This variant is present in population databases (rs371515553, gnomAD 0.01%). This variant has not been reported in the literature in individuals affected with ARSA-related conditions. Advanced modeling of protein sequence and biophysical properties (such as structural, functional, and spatial information, amino acid conservation, physicochemical variation, residue mobility, and thermodynamic stability) performed at Invitae indicates that this missense variant is not expected to disrupt ARSA protein function. In summary, the available evidence is currently insufficient to determine the role of this variant in disease. Therefore, it has been classified as a Variant of Uncertain Significance.